The following is an entry in ClinVar:

ClinVar aggregate classification (germline): Uncertain significance (1 of 4 stars; one submission).

gnomAD v4.1: 1 of 1,531,960 alleles (0.000065%); highest among the groups gnomAD compares: South Asian, 0.0012%; no homozygotes.

Submission:

Labcorp Genetics (formerly Invitae), Labcorp
Classification: Uncertain significance. Last evaluated: 2022-08-24. Review status: criteria provided, single submitter. Criteria: Invitae Variant Classification Sherloc (09022015). Collection method: clinical testing. Allele origin: germline.
Comment: Algorithms developed to predict the effect of missense changes on protein structure and function (SIFT, PolyPhen-2, Align-GVGD) all suggest that this variant is likely to be disruptive. In summary, the available evidence is currently insufficient to determine the role of this variant in disease. Therefore, it has been classified as a Variant of Uncertain Significance. This variant has not been reported in the literature in individuals affected with CAMK2B-related conditions. This variant is present in population databases (no rsID available, gnomAD 0.004%). This sequence change replaces glycine, which is neutral and non-polar, with arginine, which is basic and polar, at codon 332 of the CAMK2B protein (p.Gly332Arg).

NM_001220.5(CAMK2B):c.994G>C (p.Gly332Arg)

Gene: CAMK2B (calcium/calmodulin dependent protein kinase II beta; minus strand). Cytogenetic location: 7p13.
Variant type: single nucleotide variant.
Coding change: c.994G>C on transcript NM_001220.5 (MANE Select); coding-DNA position 994, G replaced by C.
Protein change: p.Gly332Arg; replaces glycine 332 with arginine.
Molecular consequence: missense variant. On other transcripts: intron variant (5).
Genome position (GRCh38, 1-based): chr7:44,239,616, C>G on the plus strand (G>C on the coding strand, the complement: CAMK2B is on the minus strand). VCF-style: chr7-44239616-C-G. GRCh37 (hg19) VCF-style: chr7-44279215-C-G.
Other names: c.994G>C, p.Gly332Arg (NM_001293170.2, NM_172078.3, NM_172082.3); c.946+1091G>C (NM_172084.3, NM_172080.3, NM_172083.3 and 2 more transcripts); short protein forms G332R.
Identifiers: ClinVar variation 2005599 (VCV002005599.4), dbSNP rs560190297, ClinGen allele CA367362232.
Genomic context (GRCh38, chr7:44,239,616, plus strand): 5'-GAGCGGGCGGGACGCTGGTCGAGACACATCTACCTTGTTCCACCAGCCCCATGGTGGTGC[C>G]GGAGGCCGCGGTGGACATTGTGGCCGGAGCGGTGGTCTGTCTGCCCACTGTTAGCACCGG-3'
Protein context (NP_001211.3, residues 322-342): APATMSTAAS[Gly332Arg]TTMGLVEQAK